The following is an entry in ClinVar:

ClinVar aggregate classification (germline): Uncertain significance (1 of 4 stars; one submission).

Conditions:
Neuropathy, hereditary sensory, type 1F. Also called: HSN IF; Hereditary sensory neuropathy type IF. Identifiers: Orphanet 36386, MedGen C3810194, MONDO:0014286, OMIM 615632.

Submission:

Labcorp Genetics (formerly Invitae), Labcorp
Classification: Uncertain significance for Neuropathy, hereditary sensory, type 1F. Last evaluated: 2024-11-26. Review status: criteria provided, single submitter. Criteria: Invitae Variant Classification Sherloc (09022015). Collection method: clinical testing. Allele origin: germline.
Comment: This sequence change replaces aspartic acid, which is acidic and polar, with valine, which is neutral and non-polar, at codon 528 of the ATL3 protein (p.Asp528Val). This variant is not present in population databases (gnomAD no frequency). This variant has not been reported in the literature in individuals affected with ATL3-related conditions. An algorithm developed to predict the effect of missense changes on protein structure and function (PolyPhen-2) suggests that this variant is likely to be tolerated. In summary, the available evidence is currently insufficient to determine the role of this variant in disease. Therefore, it has been classified as a Variant of Uncertain Significance.

NM_015459.5(ATL3):c.1583A>T (p.Asp528Val)

Genes: ATL3 (atlastin GTPase 3; minus strand), LNCROPM (lncRNA regulator of PLAAT3 mediated phospholipid metabolism; plus strand). Cytogenetic location: 11q13.1.
Variant type: single nucleotide variant.
Coding change: c.1583A>T on transcript NM_015459.5 (MANE Select); coding-DNA position 1583, A replaced by T.
Protein change: p.Asp528Val; replaces aspartic acid 528 with valine.
Molecular consequence: missense variant.
Genome position (GRCh38, 1-based): chr11:63,629,362, T>A on the plus strand (A>T on the coding strand, the complement: ATL3 is on the minus strand). VCF-style: chr11-63629362-T-A. GRCh37 (hg19) VCF-style: chr11-63396834-T-A.
Other names: c.1529A>T, p.Asp510Val (NM_001290048.2); short protein forms D510V, D528V.
Identifiers: ClinVar variation 3669155 (VCV003669155.2).